The following is an entry in ClinVar:

NM_003630.3(PEX3):c.758T>A (p.Leu253His)

Gene: PEX3 (peroxisomal biogenesis factor 3; plus strand). Cytogenetic location: 6q24.2.
Variant type: single nucleotide variant.
Coding change: c.758T>A on transcript NM_003630.3 (MANE Select); coding-DNA position 758, T replaced by A.
Protein change: p.Leu253His; replaces leucine 253 with histidine.
Molecular consequence: missense variant.
Genome position (GRCh38, 1-based): chr6:143,474,796, T>A. VCF-style: chr6-143474796-T-A. GRCh37 (hg19) VCF-style: chr6-143795933-T-A.
Other names: short protein forms L253H.
Identifiers: ClinVar variation 843658 (VCV000843658.5), dbSNP rs1780129030, ClinGen allele CA365913074.

ClinVar aggregate classification (germline): Uncertain significance (1 of 4 stars; one submission).

Submission:

Labcorp Genetics (formerly Invitae), Labcorp
Classification: Uncertain significance. Last evaluated: 2022-08-09. Review status: criteria provided, single submitter. Criteria: Invitae Variant Classification Sherloc (09022015). Collection method: clinical testing. Allele origin: germline.
Comment: This sequence change replaces leucine, which is neutral and non-polar, with histidine, which is basic and polar, at codon 253 of the PEX3 protein (p.Leu253His). This variant is not present in population databases (gnomAD no frequency). This variant has not been reported in the literature in individuals affected with PEX3-related conditions. ClinVar contains an entry for this variant (Variation ID: 843658). Algorithms developed to predict the effect of missense changes on protein structure and function are either unavailable or do not agree on the potential impact of this missense change (SIFT: "Deleterious"; PolyPhen-2: "Probably Damaging"; Align-GVGD: "Class C0"). In summary, the available evidence is currently insufficient to determine the role of this variant in disease. Therefore, it has been classified as a Variant of Uncertain Significance.